The following is an entry in ClinVar:

ClinVar aggregate classification (germline): Uncertain significance. Review status: criteria provided, multiple submitters, no conflicts (2 of 4 stars). 3 submissions from 3 submitters: Uncertain significance (3). Last evaluated 2022-08-31.

Conditions:
Familial hemophagocytic lymphohistiocytosis 2 (FHL2). Also called: PRF1-Related Familial Hemophagocytic Lymphohistiocytosis (PRF1-fHLH). Identifiers: Orphanet 540, MedGen C1863727, MONDO:0011337, OMIM 603553.

Allele frequency attached by ClinVar (database versions not stated): TOPMed 0.00002; ExAC 0.00003; gnomAD 0.00003 and 0.00004; gnomAD exomes 0.00003 and 0.00004.
gnomAD v4.1: 63 of 1,613,998 alleles (0.0039%); highest among the groups gnomAD compares: Middle Eastern, 0.016%; no homozygotes.

Submissions (3):

Labcorp Genetics (formerly Invitae), Labcorp
Classification: Uncertain significance for Familial hemophagocytic lymphohistiocytosis 2. Last evaluated: 2022-08-31. Review status: criteria provided, single submitter. Criteria: Invitae Variant Classification Sherloc (09022015). Collection method: clinical testing. Allele origin: germline.
Comment: This sequence change replaces glycine, which is neutral and non-polar, with arginine, which is basic and polar, at codon 198 of the PRF1 protein (p.Gly198Arg). This variant is present in population databases (rs759235360, gnomAD 0.007%). This variant has not been reported in the literature in individuals affected with PRF1-related conditions. ClinVar contains an entry for this variant (Variation ID: 879907). Algorithms developed to predict the effect of missense changes on protein structure and function output the following: SIFT: "Tolerated"; PolyPhen-2: "Benign"; Align-GVGD: "Class C0". The arginine amino acid residue is found in multiple mammalian species, which suggests that this missense change does not adversely affect protein function. In summary, the available evidence is currently insufficient to determine the role of this variant in disease. Therefore, it has been classified as a Variant of Uncertain Significance.

Illumina Laboratory Services, Illumina
Classification: Uncertain significance for Familial hemophagocytic lymphohistiocytosis 2. Last evaluated: 2017-04-27. Review status: criteria provided, single submitter. Criteria: ICSL Variant Classification Criteria 13 December 2019. Collection method: clinical testing. Allele origin: germline.
Comment: This variant was observed as part of a predisposition screen in an ostensibly healthy population. A literature search was performed for the gene, cDNA change, and amino acid change (where applicable). Publications were found based on this search. However, the evidence from the literature, in combination with allele frequency data from public databases where available, was not sufficient to rule this variant in or out of causing disease. Therefore, this variant is classified as a variant of unknown significance.

Breakthrough Genomics
Classification: Uncertain significance. Review status: criteria provided, single submitter. Criteria: ACMG Guidelines, 2015. Collection method: not provided. Allele origin: germline. Inheritance: Autosomal recessive inheritance. Affected: yes.

Literature cited by the submitters: PubMed 20638125 (cited by Illumina Laboratory Services, Illumina).

NM_001083116.3(PRF1):c.592G>A (p.Gly198Arg)

Gene: PRF1 (perforin 1; minus strand). Cytogenetic location: 10q22.1.
Variant type: single nucleotide variant.
Coding change: c.592G>A on transcript NM_001083116.3 (MANE Select); coding-DNA position 592, G replaced by A.
Protein change: p.Gly198Arg; replaces glycine 198 with arginine.
Molecular consequence: missense variant.
Genome position (GRCh38, 1-based): chr10:70,599,129, C>T on the plus strand (G>A on the coding strand, the complement: PRF1 is on the minus strand). VCF-style: chr10-70599129-C-T. GRCh37 (hg19) VCF-style: chr10-72358885-C-T.
Other names: c.592G>A, p.Gly198Arg (NM_005041.6); short protein forms G198R.
Identifiers: ClinVar variation 879907 (VCV000879907.9), dbSNP rs759235360, ClinGen allele CA5538968.